The following is an entry in ClinVar:

ClinVar aggregate classification (germline): Pathogenic (1 of 4 stars; one submission).

Submission:

GeneDx
Classification: Pathogenic. Last evaluated: 2024-07-14. Review status: criteria provided, single submitter. Criteria: GeneDx Variant Classification Process June 2021. Collection method: clinical testing. Allele origin: germline. Affected: yes.
Comment: Frameshift variant predicted to result in protein truncation or nonsense mediated decay in a gene for which loss of function is a known mechanism of disease; Not observed at significant frequency in large population cohorts (gnomAD); Has not been previously published as pathogenic or benign to our knowledge

NM_018451.5(CPAP):c.129_130del (p.Lys44fs)

Gene: CPAP (centrosome assembly and centriole elongation protein; minus strand). Cytogenetic location: 13q12.13.
Variant type: Microsatellite.
Coding change: c.129_130del on transcript NM_018451.5 (MANE Select); coding-DNA positions 129 to 130, 2 bases deleted (GA; older notation c.129_130delGA).
Protein change: p.Lys44fs; shifts the reading frame from lysine 44.
Molecular consequence: frameshift variant. On other transcripts: non-coding transcript variant (2).
Genome position (GRCh38, 1-based): chr13:24,912,896-24,912,897, TC deleted on the plus strand (GA on the coding strand, the reverse complement: CPAP is on the minus strand); deleting any 2 consecutive bases within chr13:24,912,896-24,912,900 gives the same sequence; the c. name uses the placement nearest the transcript's 3' end. VCF-style (leftmost placement, unchanged base first): chr13-24912895-TTC-T. GRCh37 (hg19) VCF-style: chr13-25487033-TTC-T.
Other names: c.129_130delGA (NM_018451.3); c.129_130del (NM_018451.3); short protein forms K44fs.
Identifiers: ClinVar variation 280477 (VCV000280477.3), dbSNP rs886041674, ClinGen allele CA10603219.
Genomic context (GRCh38, chr13:24,912,895, plus strand): 5'-CTATCAGAAAAATGTGTGCCTTTAATAGGAAAGCTGGTAGAAATGTCCACAGCTGCTCGC[TTC>T]TCTTTGTCTGCTTCCAAAATAGGAAATCCACGATTTAATATGACCCCAGCCCGAGAAGGA-3'